The following is an entry in ClinVar:

NM_000535.7(PMS2):c.787C>G (p.Leu263Val)

Gene: PMS2 (PMS1 homolog 2, mismatch repair system component; minus strand). Cytogenetic location: 7p22.1.
Variant type: single nucleotide variant.
Coding change: c.787C>G on transcript NM_000535.7 (MANE Select); coding-DNA position 787, C replaced by G.
Protein change: p.Leu263Val; replaces leucine 263 with valine.
Molecular consequence: missense variant. On other transcripts: 5 prime UTR variant (2), non-coding transcript variant (1).
Genome position (GRCh38, 1-based): chr7:5,997,342, G>C on the plus strand (C>G on the coding strand, the complement: PMS2 is on the minus strand). VCF-style: chr7-5997342-G-C. GRCh37 (hg19) VCF-style: chr7-6036973-G-C.
Other names: p.L263V:CTG>GTG; c.382C>G, p.Leu128Val (NM_001322003.2, NM_001322004.2, NM_001322005.2 and 2 more transcripts); c.787C>G, p.Leu263Val (NM_001322006.2, NM_001322014.2); c.469C>G, p.Leu157Val (NM_001322007.2, NM_001322008.2); c.-147C>G (NM_001322011.2, NM_001322012.2); c.214C>G, p.Leu72Val (NM_001322013.2); c.478C>G, p.Leu160Val (NM_001322015.2); short protein forms L263V, L157V, L128V, L160V, L72V.
Identifiers: ClinVar variation 91368 (VCV000091368.35), dbSNP rs587779345, ClinGen allele CA012851.

ClinVar aggregate classification (germline): Uncertain significance. Review status: criteria provided, multiple submitters, no conflicts (2 of 4 stars). 10 submissions from 10 submitters: Uncertain significance (9). 1 of the submissions does not count toward it. Last evaluated 2025-12-29.

Conditions:
Lynch syndrome. Identifiers: Orphanet 144, MedGen C4552100, MONDO:0005835. Disease mechanism: loss of function.
Hereditary cancer-predisposing syndrome. Also called: Tumor predisposition; Hereditary Cancer Syndrome; Hereditary neoplastic syndrome; Neoplastic Syndromes, Hereditary. Identifiers: Orphanet 140162, MedGen C0027672, MeSH D009386, MONDO:0015356.
Hereditary nonpolyposis colorectal neoplasms. Identifiers: MedGen C0009405, MeSH D003123.
Lynch syndrome 4 (LYNCH4). Also called: Colorectal cancer, hereditary nonpolyposis, type 4; Hereditary non-polyposis colorectal cancer, type 4. Identifiers: Orphanet 144, MedGen C1838333, MONDO:0013699, OMIM 614337. Disease mechanism: loss of function.

Allele frequency attached by ClinVar (database versions not stated): gnomAD exomes below 0.00001.

Submissions (10):

Center for Genomic Medicine, Rigshospitalet, Copenhagen University Hospital
Classification: Uncertain significance. Last evaluated: 2025-12-29. Review status: criteria provided, single submitter. Criteria: ACMG Guidelines, 2015. Collection method: clinical testing. Allele origin: germline.
Comment: Classification criteria: BP4

Ambry Genetics
Classification: Uncertain significance for Hereditary cancer-predisposing syndrome. Last evaluated: 2025-03-24. Review status: criteria provided, single submitter. Criteria: Ambry Variant Classification Scheme 2023. Collection method: clinical testing. Allele origin: germline.
Comment: The p.L263V variant (also known as c.787C>G), located in coding exon 7 of the PMS2 gene, results from a C to G substitution at nucleotide position 787. The leucine at codon 263 is replaced by valine, an amino acid with highly similar properties. This variant has been reporting in an individual suspected of having Lynch syndrome or CMMRD; however, a functional assay showed intact DNA mismatch repair activity (Drost M et al. Hum. Mutat. 2013 Nov;34:1477-80; van der Klift HM et al. Hum. Mutat. 2016 11;37:1162-1179). This amino acid position is not well conserved in available vertebrate species. In addition, the in silico prediction for this alteration is inconclusive. Since supporting evidence is limited at this time, the clinical significance of this alteration remains unclear.

All of Us Research Program, National Institutes of Health
Classification: Uncertain significance for Lynch syndrome. Last evaluated: 2023-12-13. Review status: criteria provided, single submitter. Criteria: ACMG Guidelines, 2015. Collection method: clinical testing. Allele origin: germline. Inheritance: Autosomal dominant inheritance. Observed: 1 variant allele, 1 heterozygote.
Comment: This missense variant replaces leucine with valine at codon 263 of the PMS2 protein. Computational prediction suggests that this variant may not impact protein structure and function (internally defined REVEL score threshold <= 0.5, PMID: 27666373). A functional study have shown that this variant has no impact on mismatch repair activity in vitro (PMID: 24027009). This variant has been observed in a cohort of individuals with a personal or family history of Lynch syndrome-associated disease (PMID: 27435373). This variant has been identified in 1/250566 chromosomes in the general population by the Genome Aggregation Database (gnomAD). The available evidence is insufficient to determine the role of this variant in disease conclusively. Therefore, this variant is classified as a Variant of Uncertain Significance.

This study involves interpretation of variants in research participants for the purpose of population health screening. Participant phenotype was not available at the time of variant classification. Additional details can be found in publication PMID: 35346344, PMCID: PMC8962531

Labcorp Genetics (formerly Invitae), Labcorp
Classification: Uncertain significance for Hereditary nonpolyposis colorectal neoplasms. Last evaluated: 2023-12-06. Review status: criteria provided, single submitter. Criteria: Invitae Variant Classification Sherloc (09022015). Collection method: clinical testing. Allele origin: germline.
Comment: This sequence change replaces leucine, which is neutral and non-polar, with valine, which is neutral and non-polar, at codon 263 of the PMS2 protein (p.Leu263Val). This variant is present in population databases (rs587779345, gnomAD 0.0009%). This missense change has been observed in individual(s) with Lynch syndrome (PMID: 27435373). ClinVar contains an entry for this variant (Variation ID: 91368). Algorithms developed to predict the effect of missense changes on protein structure and function output the following: SIFT: "Not Available"; PolyPhen-2: "Benign"; Align-GVGD: "Not Available". The valine amino acid residue is found in multiple mammalian species, which suggests that this missense change does not adversely affect protein function. Experimental studies have shown that this missense change does not substantially affect PMS2 function (PMID: 24027009). In summary, the available evidence is currently insufficient to determine the role of this variant in disease. Therefore, it has been classified as a Variant of Uncertain Significance.

Color Diagnostics, LLC DBA Color Health
Classification: Uncertain significance for Hereditary cancer-predisposing syndrome. Last evaluated: 2023-11-10. Review status: criteria provided, single submitter. Criteria: ACMG Guidelines, 2015. Collection method: clinical testing. Allele origin: germline.
Comment: This missense variant replaces leucine with valine at codon 263 of the PMS2 protein. Computational prediction suggests that this variant may not impact protein structure and function (internally defined REVEL score threshold <= 0.5, PMID: 27666373). A functional study have shown that this variant has no impact on mismatch repair activity in vitro (PMID: 24027009). This variant has been observed in a cohort of individuals with a personal or family history of Lynch syndrome-associated disease (PMID: 27435373). This variant has been identified in 1/250566 chromosomes in the general population by the Genome Aggregation Database (gnomAD). The available evidence is insufficient to determine the role of this variant in disease conclusively. Therefore, this variant is classified as a Variant of Uncertain Significance.

Baylor Genetics
Classification: Uncertain significance for Lynch syndrome 4. Last evaluated: 2023-05-26. Review status: criteria provided, single submitter. Criteria: ACMG Guidelines, 2015. Collection method: clinical testing. Allele origin: unknown.

Myriad Genetics, Inc.
Classification: Uncertain significance for Lynch syndrome 4. Last evaluated: 2023-04-05. Review status: criteria provided, single submitter. Criteria: Myriad Autosomal Dominant, Autosomal Recessive and X-Linked Classification Criteria (2023). Collection method: clinical testing. Allele origin: unknown.
Comment: This variant is classified as a variant of uncertain significance as there is insufficient evidence to determine its impact on protein function and/or cancer risk.

ARUP Laboratories, Molecular Genetics and Genomics, ARUP Laboratories
Classification: Uncertain significance. Last evaluated: 2022-12-20. Review status: criteria provided, single submitter. Criteria: ARUP Molecular Germline Variant Investigation Process 2024. Collection method: clinical testing. Allele origin: germline.
Comment: The PMS2 c.787C>G; p.Leu263Val variant (rs587779345) is reported in the literature in an individual with suspected Lynch syndrome (van der Klift 2016). Functional analyses found that this variant protein is MMR proficient (Drost 2013). This variant is also reported in ClinVar (Variation ID: 91368) and is only observed on one allele in the Genome Aggregation Database, indicating it is not a common polymorphism. The leucine at codon 263 is weakly conserved, but computational analyses predict that this variant is neutral (REVEL: 0.422). Due to limited information, the clinical significance of the p.Leu263Val variant is uncertain at this time. References: Drost M et al. Inactivation of DNA mismatch repair by variants of uncertain significance in the PMS2 gene. Hum Mutat. 2013 Nov;34(11):1477-80. PMID: 24027009. van der Klift HM et al. Comprehensive Mutation Analysis of PMS2 in a Large Cohort of Probands Suspected of Lynch Syndrome or Constitutional Mismatch Repair Deficiency Syndrome. Hum Mutat. 2016 Nov;37(11):1162-1179. PMID: 27435373.

GeneDx
Classification: Uncertain significance. Last evaluated: 2016-11-23. Review status: criteria provided, single submitter. Criteria: GeneDx Variant Classification (06012015). Collection method: clinical testing. Allele origin: germline. Affected: yes.
Comment: This variant is denoted PMS2 c.787C>G at the cDNA level, p.Leu263Val (L263V) at the protein level, and results in the change of a Leucine to a Valine (CTG>GTG). Functional analysis by a modified cell-free assay demonstrated repair efficiency significantly higher than a known repair deficient control (p<0.05) (Drost 2103). PMS2 Leu263Val was not observed in approximately 6,500 individuals of European and African American ancestry in the NHLBI Exome Sequencing Project, suggesting it is not a common benign variant in these populations. Since Leucine and Valine share similar properties, this is considered a conservative amino acid substitution. PMS2 Leu263Val occurs at a position that is not conserved and is located in the ATPase domain (Guarne 2001). In silico analyses predict that this variant is unlikely to alter protein structure or function. Based on currently available information, it is unclear whether PMS2 Leu263Val is pathogenic or benign. We consider it to be a variant of uncertain significance.

Counsyl
Classification: Uncertain significance for Lynch syndrome 4. Last evaluated: 2016-02-10. Review status: no assertion criteria provided. Collection method: clinical testing. Allele origin: unknown. Not counted in ClinVar's aggregate classification.

Literature cited by the submitters: PubMed 27435373 (cited by 5 submitters); PubMed 24027009 (cited by 6 submitters).